The following is an entry in ClinVar:

ClinVar aggregate classification (germline): Likely benign (1 of 4 stars; one submission).

Submission:

GeneDx
Classification: Likely benign. Last evaluated: 2021-04-29. Review status: criteria provided, single submitter. Criteria: GeneDx Variant Classification Process June 2021. Collection method: clinical testing. Allele origin: germline. Affected: yes.
Comment: See Variant Classification Assertion Criteria.

NM_002838.5(PTPRC):c.2561+28_2561+29del

Gene: PTPRC (protein tyrosine phosphatase receptor type C; plus strand). Cytogenetic location: 1q32.1.
Variant type: Deletion.
Coding change: c.2561+28_2561+29del on transcript NM_002838.5 (MANE Select); bases 28 to 29 of the intron after coding-DNA position 2561, 2 bases deleted (CA; older notation c.2561+28_2561+29delCA).
Molecular consequence: intron variant.
Genome position (GRCh38, 1-based): chr1:198,742,054-198,742,055, CA deleted; deleting any 2 consecutive bases within chr1:198,742,053-198,742,055 gives the same sequence; the c. name uses the placement nearest the transcript's 3' end. VCF-style (leftmost placement, unchanged base first): chr1-198742052-AAC-A. GRCh37 (hg19) VCF-style: chr1-198711181-AAC-A.
Other names: c.2078+28_2078+29del (NM_080921.4).
Identifiers: ClinVar variation 1707346 (VCV001707346.2), dbSNP rs200643519, ClinGen allele CA1315161.